The following is an entry in ClinVar:

NM_080473.5(GATA5):c.374A>T (p.Gln125Leu)

Gene: GATA5 (GATA binding protein 5; minus strand). Cytogenetic location: 20q13.33.
Variant type: single nucleotide variant.
Coding change: c.374A>T on transcript NM_080473.5 (MANE Select); coding-DNA position 374, A replaced by T.
Protein change: p.Gln125Leu; replaces glutamine 125 with leucine.
Molecular consequence: missense variant.
Genome position (GRCh38, 1-based): chr20:62,475,148, T>A on the plus strand (A>T on the coding strand, the complement: GATA5 is on the minus strand). VCF-style: chr20-62475148-T-A. GRCh37 (hg19) VCF-style: chr20-61050204-T-A.
Other names: short protein forms Q125L.
Identifiers: ClinVar variation 2101353 (VCV002101353.4), dbSNP rs1293255615, ClinGen allele CA409556519.
Genomic context (GRCh38, chr20:62,475,148, plus strand): 5'-TAGGCCGGGTAGGTGGCGGAGTACGAGGTCCCCACCGGCCGCCCAAGCGGGGCCGCGAAC[T>A]GTTCTCGAGGCAACAGCGCGCCCTGGTAGGCACTGCCGTCTCGGCCCCCCGCGCTGCCGC-3'
Protein context (NP_536721.1, residues 115-135): AYQGALLPRE[Gln125Leu]FAAPLGRPVG

ClinVar aggregate classification (germline): Uncertain significance (1 of 4 stars; one submission).

Allele frequency attached by ClinVar (database versions not stated): gnomAD 0.00001; TOPMed 0.00001.
gnomAD v4.1: 1 of 1,337,210 alleles (0.000075%); highest among the groups gnomAD compares: African/African-American, 0.0015%; no homozygotes.

Submission:

Labcorp Genetics (formerly Invitae), Labcorp
Classification: Uncertain significance. Last evaluated: 2025-03-25. Review status: criteria provided, single submitter. Criteria: Invitae Variant Classification Sherloc (09022015). Collection method: clinical testing. Allele origin: germline.
Comment: This sequence change replaces glutamine, which is neutral and polar, with leucine, which is neutral and non-polar, at codon 125 of the GATA5 protein (p.Gln125Leu). This variant is not present in population databases (gnomAD no frequency). This variant has not been reported in the literature in individuals affected with GATA5-related conditions. ClinVar contains an entry for this variant (Variation ID: 2101353). Invitae Evidence Modeling of protein sequence and biophysical properties (such as structural, functional, and spatial information, amino acid conservation, physicochemical variation, residue mobility, and thermodynamic stability) indicates that this missense variant is not expected to disrupt GATA5 protein function with a negative predictive value of 80%. In summary, the available evidence is currently insufficient to determine the role of this variant in disease. Therefore, it has been classified as a Variant of Uncertain Significance.